The following is an entry in ClinVar:

NM_000465.4(BARD1):c.1395+4G>A

Gene: BARD1 (BRCA1 associated RING domain 1; minus strand). Cytogenetic location: 2q35.
Variant type: single nucleotide variant.
Coding change: c.1395+4G>A on transcript NM_000465.4 (MANE Select); 4 bases into the intron after coding-DNA position 1395, G replaced by A.
Molecular consequence: intron variant.
Genome position (GRCh38, 1-based): chr2:214,769,228, C>T on the plus strand (G>A on the coding strand, the complement: BARD1 is on the minus strand). VCF-style: chr2-214769228-C-T. GRCh37 (hg19) VCF-style: chr2-215633952-C-T.
Other names: c.159-16673G>A (NM_001282548.2); c.1338+4G>A (NM_001282543.2); c.216-16673G>A (NM_001282545.2); c.364+23069G>A (NM_001282549.2).
Identifiers: ClinVar variation 993197 (VCV000993197.9), dbSNP rs1025329798, ClinGen allele CA764583808.

ClinVar aggregate classification (germline): Conflicting classifications of pathogenicity. Review status: criteria provided, conflicting classifications (1 of 4 stars). 4 submissions from 4 submitters: Uncertain significance (3); Likely benign (1). Last evaluated 2024-07-25.

Conditions:
Familial cancer of breast. Also called: hereditary breast carcinoma; Hereditary breast cancer; BREAST CANCER, FAMILIAL. Identifiers: Orphanet 227535, MedGen C0346153, MONDO:0016419, OMIM 114480. Disease mechanism: loss of function.
Hereditary cancer-predisposing syndrome. Also called: Neoplastic Syndromes, Hereditary; Hereditary Cancer Syndrome; Tumor predisposition; Hereditary neoplastic syndrome. Identifiers: Orphanet 140162, MedGen C0027672, MeSH D009386, MONDO:0015356.

Allele frequency attached by ClinVar (database versions not stated): gnomAD 0.00001; TOPMed 0.00001.
gnomAD v4.1: 1 of 1,607,858 alleles (0.000062%); highest among the groups gnomAD compares: Non-Finnish European, 0.000085%; no homozygotes.

Submissions (4):

Myriad Genetics, Inc.
Classification: Likely benign for Familial cancer of breast. Last evaluated: 2024-07-25. Review status: criteria provided, single submitter. Criteria: Myriad Autosomal Dominant, Autosomal Recessive and X-Linked Classification Criteria (2023). Collection method: clinical testing. Allele origin: unknown.
Comment: This variant is considered likely benign. This variant is intronic and is not expected to impact mRNA splicing.

Labcorp Genetics (formerly Invitae), Labcorp
Classification: Uncertain significance for Familial cancer of breast. Last evaluated: 2023-04-07. Review status: criteria provided, single submitter. Criteria: Invitae Variant Classification Sherloc (09022015). Collection method: clinical testing. Allele origin: germline.
Comment: In summary, the available evidence is currently insufficient to determine the role of this variant in disease. Therefore, it has been classified as a Variant of Uncertain Significance. Variants that disrupt the consensus splice site are a relatively common cause of aberrant splicing (PMID: 17576681, 9536098). Algorithms developed to predict the effect of sequence changes on RNA splicing suggest that this variant may disrupt the consensus splice site. ClinVar contains an entry for this variant (Variation ID: 993197). This variant has not been reported in the literature in individuals affected with BARD1-related conditions. This variant is not present in population databases (gnomAD no frequency). This sequence change falls in intron 5 of the BARD1 gene. It does not directly change the encoded amino acid sequence of the BARD1 protein. It affects a nucleotide within the consensus splice site.

Color Diagnostics, LLC DBA Color Health
Classification: Uncertain significance for Hereditary cancer-predisposing syndrome. Last evaluated: 2023-01-24. Review status: criteria provided, single submitter. Criteria: ACMG Guidelines, 2015. Collection method: clinical testing. Allele origin: germline.
Comment: This variant causes a G to A nucleotide substitution at the +4 position of intron 5 of the BARD1 gene. To our knowledge, functional studies have not been reported for this variant. This variant has not been reported in individuals affected with BARD1-related disorders in the literature. This variant has not been identified in the general population by the Genome Aggregation Database (gnomAD). The available evidence is insufficient to determine the role of this variant in disease conclusively. Therefore, this variant is classified as a Variant of Uncertain Significance.

Quest Diagnostics Nichols Institute San Juan Capistrano
Classification: Uncertain significance. Last evaluated: 2020-05-17. Review status: criteria provided, single submitter. Criteria: Quest Diagnostics criteria. Collection method: clinical testing. Allele origin: unknown.

Literature cited by the submitters: PubMed 17576681 (cited by Labcorp Genetics (formerly Invitae), Labcorp); PubMed 9536098 (cited by Labcorp Genetics (formerly Invitae), Labcorp).